The following is an entry in ClinVar:

ClinVar aggregate classification (germline): Uncertain significance. Review status: criteria provided, multiple submitters, no conflicts (2 of 4 stars). 3 submissions from 3 submitters: Uncertain significance (2). 1 of the submissions does not count toward it. Last evaluated 2024-08-19.

Conditions:
Cardiovascular phenotype. Identifiers: MedGen CN230736.
Cutis laxa, autosomal recessive, type 1B (ARCL1B). Also called: EFEMP2-Related Cutis Laxa; CUTIS LAXA, AUTOSOMAL RECESSIVE, TYPE IB. Identifiers: Orphanet 90349, MedGen C3280798, MONDO:0013754, OMIM 614437. Disease mechanism: loss of function.
Cutis laxa, autosomal recessive, type 1A (ARCL1A). Also called: Autosomal recessive cutis laxa type IA. Identifiers: Orphanet 90349, MedGen C5848058, MONDO:0009052, OMIM 219100.

Allele frequency attached by ClinVar (database versions not stated): gnomAD 0.00001; ExAC 0.00002; gnomAD exomes 0.00003 and 0.00005; TOPMed 0.00005.

Submissions (3):

Ambry Genetics
Classification: Uncertain significance for Cardiovascular phenotype. Last evaluated: 2024-08-19. Review status: criteria provided, single submitter. Criteria: Ambry Variant Classification Scheme 2023. Collection method: clinical testing. Allele origin: germline.
Comment: The p.R409Q variant (also known as c.1226G>A), located in coding exon 10 of the EFEMP2 gene, results from a G to A substitution at nucleotide position 1226. The arginine at codon 409 is replaced by glutamine, an amino acid with highly similar properties. This amino acid position is conserved. In addition, the in silico prediction for this alteration is inconclusive. Based on the available evidence, the clinical significance of this variant remains unclear.

Labcorp Genetics (formerly Invitae), Labcorp
Classification: Uncertain significance for Cutis laxa, autosomal recessive, type 1B. Last evaluated: 2022-05-16. Review status: criteria provided, single submitter. Criteria: Invitae Variant Classification Sherloc (09022015). Collection method: clinical testing. Allele origin: germline.
Comment: This sequence change replaces arginine, which is basic and polar, with glutamine, which is neutral and polar, at codon 409 of the EFEMP2 protein (p.Arg409Gln). This variant is present in population databases (rs61893867, gnomAD 0.009%). This variant has not been reported in the literature in individuals affected with EFEMP2-related conditions. ClinVar contains an entry for this variant (Variation ID: 39010). Algorithms developed to predict the effect of missense changes on protein structure and function are either unavailable or do not agree on the potential impact of this missense change (SIFT: "Deleterious"; PolyPhen-2: "Benign"; Align-GVGD: "Class C35"). In summary, the available evidence is currently insufficient to determine the role of this variant in disease. Therefore, it has been classified as a Variant of Uncertain Significance.

GeneReviews
No classification provided. Condition: Autosomal recessive cutis laxa type 1. Review status: no classification provided. Collection method: literature only. Allele origin: unknown. Not counted in ClinVar's aggregate classification.

Literature cited by the submitters: PubMed 21563328 (cited by GeneReviews); NCBI Bookshelf NBK54467 (cited by GeneReviews).

NM_016938.5(EFEMP2):c.1226G>A (p.Arg409Gln)

Genes: EFEMP2 (EGF-like fibulin extracellular matrix protein 2; minus strand), MUS81 (MUS81 structure-specific endonuclease subunit; plus strand). Cytogenetic location: 11q13.1.
Variant type: single nucleotide variant.
Coding change: c.1226G>A on transcript NM_016938.5 (MANE Select); coding-DNA position 1226, G replaced by A.
Protein change: p.Arg409Gln; replaces arginine 409 with glutamine.
Molecular consequence: missense variant. On other transcripts: non-coding transcript variant (1).
Genome position (GRCh38, 1-based): chr11:65,867,024, C>T on the plus strand (G>A on the coding strand, the complement: EFEMP2 is on the minus strand). VCF-style: chr11-65867024-C-T. GRCh37 (hg19) VCF-style: chr11-65634495-C-T.
Other names: short protein forms R409Q.
Identifiers: ClinVar variation 39010 (VCV000039010.6), dbSNP rs61893867, ClinGen allele CA343324.
Genomic context (GRCh38, chr11:65,867,024, plus strand): 5'-CTGGCCCGGTAGCTCATGAGGGAATTCATGGTGACCATCTCCAGGTCCAGCACGTACTCC[C>T]GGGGGCCCGTCACCGGCCGGGCGAGGACCAGCATGGCGCTGACGTTGTTGATTTGCTGCA-3'
Protein context (NP_058634.4, residues 399-419): LVLARPVTGP[Arg409Gln]EYVLDLEMVT